The following is an entry in ClinVar:

ClinVar aggregate classification (germline): Uncertain significance. Review status: criteria provided, multiple submitters, no conflicts (2 of 4 stars). 3 submissions from 3 submitters: Uncertain significance (3). Last evaluated 2025-09-01.

Conditions:
Goldberg-Shprintzen syndrome. Identifiers: Orphanet 66629, MedGen C1836123, MONDO:0012280, OMIM 609460.

Allele frequency attached by ClinVar (database versions not stated): gnomAD 0.00003 and 0.00004; TOPMed 0.00004; ExAC 0.00001; gnomAD exomes 0.00002.
gnomAD v4.1: 40 of 1,614,042 alleles (0.0025%); highest among the groups gnomAD compares: Non-Finnish European, 0.0031%; no homozygotes.

Submissions (3):

Ambry Genetics
Classification: Uncertain significance. Last evaluated: 2025-09-01. Review status: criteria provided, single submitter. Criteria: Ambry Variant Classification Scheme 2023. Collection method: clinical testing. Allele origin: germline.

Labcorp Genetics (formerly Invitae), Labcorp
Classification: Uncertain significance. Last evaluated: 2023-07-21. Review status: criteria provided, single submitter. Criteria: Invitae Variant Classification Sherloc (09022015). Collection method: clinical testing. Allele origin: germline.
Comment: This sequence change replaces arginine, which is basic and polar, with threonine, which is neutral and polar, at codon 442 of the KIF1BP protein (p.Arg442Thr). This variant is present in population databases (rs764557349, gnomAD 0.004%). This variant has not been reported in the literature in individuals affected with KIF1BP-related conditions. ClinVar contains an entry for this variant (Variation ID: 880493). An algorithm developed to predict the effect of missense changes on protein structure and function (PolyPhen-2) suggests that this variant is likely to be disruptive. In summary, the available evidence is currently insufficient to determine the role of this variant in disease. Therefore, it has been classified as a Variant of Uncertain Significance.

Illumina Laboratory Services, Illumina
Classification: Uncertain significance for Goldberg-Shprintzen syndrome. Last evaluated: 2018-01-12. Review status: criteria provided, single submitter. Criteria: ICSL Variant Classification Criteria 13 December 2019. Collection method: clinical testing. Allele origin: germline.

NM_015634.4(KIFBP):c.1325G>C (p.Arg442Thr)

Gene: KIFBP (kinesin family binding protein; plus strand). Cytogenetic location: 10q22.1.
Variant type: single nucleotide variant.
Coding change: c.1325G>C on transcript NM_015634.4 (MANE Select); coding-DNA position 1325, G replaced by C.
Protein change: p.Arg442Thr; replaces arginine 442 with threonine.
Molecular consequence: missense variant.
Genome position (GRCh38, 1-based): chr10:69,015,875, G>C. VCF-style: chr10-69015875-G-C. GRCh37 (hg19) VCF-style: chr10-70775631-G-C.
Other names: short protein forms R442T.
Identifiers: ClinVar variation 880493 (VCV000880493.9), dbSNP rs764557349, ClinGen allele CA5529886.